The following is an entry in ClinVar:

ClinVar aggregate classification (germline): Uncertain significance (1 of 4 stars; one submission).

gnomAD v4.1: 2 of 1,570,044 alleles (0.00013%); highest among the groups gnomAD compares: Non-Finnish European, 0.00017%; no homozygotes.

Submission:

GeneDx
Classification: Uncertain significance. Last evaluated: 2024-10-20. Review status: criteria provided, single submitter. Criteria: GeneDx Variant Classification Process June 2021. Collection method: clinical testing. Allele origin: germline. Affected: yes.
Comment: Not observed at significant frequency in large population cohorts (gnomAD); In silico analysis supports that this missense variant has a deleterious effect on protein structure/function; Has not been previously published as pathogenic or benign to our knowledge

NM_016148.5(SHANK1):c.94G>T (p.Gly32Trp)

Gene: SHANK1 (SH3 and multiple ankyrin repeat domains 1; minus strand). Cytogenetic location: 19q13.33.
Variant type: single nucleotide variant.
Coding change: c.94G>T on transcript NM_016148.5 (MANE Select); coding-DNA position 94, G replaced by T.
Protein change: p.Gly32Trp; replaces glycine 32 with tryptophan.
Molecular consequence: missense variant.
Genome position (GRCh38, 1-based): chr19:50,716,826, C>A on the plus strand (G>T on the coding strand, the complement: SHANK1 is on the minus strand). VCF-style: chr19-50716826-C-A. GRCh37 (hg19) VCF-style: chr19-51220083-C-A.
Other names: short protein forms G32W.
Identifiers: ClinVar variation 3781253 (VCV003781253.1).
Genomic context (GRCh38, chr19:50,716,826, plus strand): 5'-CCAGGCTACCAGGTGCCCCACTGCCCTGGCCCCGGGTCCCCCGGGGGCCTCGACCTGGCC[C>A]GTCTGGGGAGCTGTCGGACTCTGAGCCCCCCTCGGGACACTCGCTGGCACTGTGGCGTTC-3'
Protein context (NP_057232.2, residues 22-42): GGSESDSSPD[Gly32Trp]PGRGPRGTRG